The following is an entry in ClinVar:

ClinVar aggregate classification (germline): Likely benign. Review status: criteria provided, multiple submitters, no conflicts (2 of 4 stars). 4 submissions from 4 submitters: Likely benign (4). Last evaluated 2026-01-02.

Conditions:
Familial thoracic aortic aneurysm and aortic dissection (TAAD). Also called: Thoracic aortic aneurysms and dissections. Identifiers: Orphanet 91387, MedGen C4707243, MONDO:0019625.
Marfan syndrome (MFS). Also called: Marfan syndrome, classic; Marfan syndrome type 1; Marfan's syndrome; FBN1-Related Marfan Syndrome; MARFAN SYNDROME, TYPE I. Identifiers: Orphanet 284963, Orphanet 558, MedGen C0024796, MONDO:0007947, OMIM 154700.

Allele frequency attached by ClinVar (database versions not stated): gnomAD exomes 0.00003 and 0.00004; ExAC 0.00006; TOPMed 0.00001.
gnomAD v4.1: 36 of 1,605,468 alleles (0.0022%); highest among the groups gnomAD compares: Non-Finnish European, 0.003%; no homozygotes.

Submissions (4):

Women's Health and Genetics/Laboratory Corporation of America, LabCorp
Classification: Likely benign. Last evaluated: 2026-01-02. Review status: criteria provided, single submitter. Criteria: LabCorp Variant Classification Summary - May 2015. Collection method: clinical testing. Allele origin: germline.

Labcorp Genetics (formerly Invitae), Labcorp
Classification: Likely benign for Marfan syndrome; Familial thoracic aortic aneurysm and aortic dissection. Last evaluated: 2025-02-12. Review status: criteria provided, single submitter. Criteria: Invitae Variant Classification Sherloc (09022015). Collection method: clinical testing. Allele origin: germline.

All of Us Research Program, National Institutes of Health
Classification: Likely benign for Marfan syndrome. Last evaluated: 2023-12-01. Review status: criteria provided, single submitter. Criteria: ACMG Guidelines, 2015. Collection method: clinical testing. Allele origin: germline. Inheritance: Autosomal dominant inheritance. Observed: 8 variant alleles, 8 heterozygotes.
Comment: This study involves interpretation of variants in research participants for the purpose of population health screening. Participant phenotype was not available at the time of variant classification. Additional details can be found in publication PMID: 35346344, PMCID: PMC8962531

Color Diagnostics, LLC DBA Color Health
Classification: Likely benign for Familial thoracic aortic aneurysm and aortic dissection. Last evaluated: 2019-03-09. Review status: criteria provided, single submitter. Criteria: ACMG Guidelines, 2015. Collection method: clinical testing. Allele origin: germline.

NM_000138.5(FBN1):c.347-15T>C

Gene: FBN1 (fibrillin 1; minus strand). Cytogenetic location: 15q21.1.
Variant type: single nucleotide variant.
Coding change: c.347-15T>C on transcript NM_000138.5 (MANE Select); 15 bases into the intron before coding-DNA position 347, T replaced by C.
Molecular consequence: intron variant.
Genome position (GRCh38, 1-based): chr15:48,600,249, A>G on the plus strand (T>C on the coding strand, the complement: FBN1 is on the minus strand). VCF-style: chr15-48600249-A-G. GRCh37 (hg19) VCF-style: chr15-48892446-A-G.
Identifiers: ClinVar variation 928323 (VCV000928323.11), dbSNP rs749417882, ClinGen allele CA050885.